The following is an entry in ClinVar:

NM_198525.3(KIF7):c.2734AAG[1] (p.Lys913del)

Gene: KIF7 (kinesin family member 7; minus strand). Cytogenetic location: 15q26.1.
Variant type: Microsatellite.
Coding change: c.2734AAG[1] on transcript NM_198525.3 (MANE Select); one copy of the 3-base unit AAG starting at c.2734; the reference has two copies in a row; one copy, 3 bases deleted; also written c.2737_2739del.
Protein change: p.Lys913del; deletes lysine 913.
Molecular consequence: inframe deletion.
Genome position (GRCh38, 1-based): chr15:89,632,976-89,632,978, CTT deleted on the plus strand (AAG on the coding strand, the reverse complement: KIF7 is on the minus strand); deleting any 3 consecutive bases within chr15:89,632,976-89,632,983 gives the same sequence; the position shown is the placement nearest the transcript's 3' end. VCF-style (leftmost placement, unchanged base first): chr15-89632975-ACTT-A. GRCh37 (hg19) VCF-style: chr15-90176206-ACTT-A.
Other names: c.2737_2739del (NM_198525.3); short protein forms K913del.
Identifiers: ClinVar variation 445340 (VCV000445340.7), dbSNP rs769890385, ClinGen allele CA7727959.

ClinVar aggregate classification (germline): Uncertain significance. Review status: criteria provided, multiple submitters, no conflicts (2 of 4 stars). 4 submissions from 4 submitters: Uncertain significance (3). 1 of the submissions does not count toward it. Last evaluated 2024-06-18.

Conditions:
Acrocallosal syndrome (ACLS). Also called: Schinzel syndrome 1; Absence of corpus callosum with unusual facial appearance, mental deficiency, duplication of the halluces and polydactyly; HALLUX DUPLICATION, POSTAXIAL POLYDACTYLY, AND ABSENCE OF CORPUS CALLOSUM. Identifiers: Orphanet 36, MedGen C0796147, MONDO:0008708, OMIM 200990.
Hydrolethalus syndrome 2 (HLS2). Identifiers: Orphanet 2189, MedGen C3279899, MONDO:0013585, OMIM 614120.
Multiple epiphyseal dysplasia, Al-Gazali type. Also called: Macrocephaly with multiple epiphyseal dysplasia and distinctive facies. Identifiers: Orphanet 166024, MedGen C1846722, MONDO:0011778, OMIM 607131.
Intellectual disability. Also called: Intellectual developmental disorder; Intellectual functioning disability; intellectual disabilities. Identifiers: MedGen C3714756, MeSH D008607, MONDO:0001071, HP:0001249.

Submissions (4):

Fulgent Genetics
Classification: Uncertain significance for Acrocallosal syndrome; Multiple epiphyseal dysplasia, Al-Gazali type; Hydrolethalus syndrome 2. Last evaluated: 2024-06-18. Review status: criteria provided, single submitter. Criteria: ACMG Guidelines, 2015. Collection method: clinical testing. Allele origin: germline.

Labcorp Genetics (formerly Invitae), Labcorp
Classification: Uncertain significance for Acrocallosal syndrome. Last evaluated: 2022-09-13. Review status: criteria provided, single submitter. Criteria: Invitae Variant Classification Sherloc (09022015). Collection method: clinical testing. Allele origin: germline.
Comment: This variant, c.2737_2739del, results in the deletion of 1 amino acid(s) of the KIF7 protein (p.Lys913del), but otherwise preserves the integrity of the reading frame. This variant is present in population databases (rs769890385, gnomAD 0.05%). This variant has not been reported in the literature in individuals affected with KIF7-related conditions. ClinVar contains an entry for this variant (Variation ID: 445340). Experimental studies and prediction algorithms are not available or were not evaluated, and the functional significance of this variant is currently unknown. In summary, the available evidence is currently insufficient to determine the role of this variant in disease. Therefore, it has been classified as a Variant of Uncertain Significance.

Center for Pediatric Genomic Medicine, Children's Mercy Hospital and Clinics
Classification: Uncertain significance. Last evaluated: 2017-06-22. Review status: criteria provided, single submitter. Criteria: ACMG Guidelines, 2015. Collection method: clinical testing. Allele origin: germline.

Centre de Biologie Pathologie Génétique, Centre Hospitalier Universitaire de Lille
Classification: Likely benign for Intellectual disability. Last evaluated: 2019-01-01. Review status: no assertion criteria provided. Collection method: clinical testing. Allele origin: inherited. Affected: yes. Not counted in ClinVar's aggregate classification.